The following is an entry in ClinVar:

NM_005529.7(HSPG2):c.5998-5G>A

Gene: HSPG2 (heparan sulfate proteoglycan 2; minus strand). Cytogenetic location: 1p36.12.
Variant type: single nucleotide variant.
Coding change: c.5998-5G>A on transcript NM_005529.7 (MANE Select); 5 bases into the intron before coding-DNA position 5998, G replaced by A.
Molecular consequence: intron variant.
Genome position (GRCh38, 1-based): chr1:21,854,988, C>T on the plus strand (G>A on the coding strand, the complement: HSPG2 is on the minus strand). VCF-style: chr1-21854988-C-T. GRCh37 (hg19) VCF-style: chr1-22181481-C-T.
Other names: c.6001-5G>A (NM_001291860.2).
Identifiers: ClinVar variation 1018185 (VCV001018185.7), dbSNP rs764410384, ClinGen allele CA671714.
Genomic context (GRCh38, chr1:21,854,988, plus strand): 5'-GCAGTCGTGATGGCTGGGATGAGCAGTGTCGCGATGTCTGTGCGCTCTGACCGGGCCTGC[C>T]GTGGGTGAGATGGGTCAGCTGCCCCAGAGGCAGCTGGACAACGGCTGGCCAGGGGGACAG-3'

ClinVar aggregate classification (germline): Uncertain significance. Review status: criteria provided, multiple submitters, no conflicts (2 of 4 stars). 2 submissions from 2 submitters: Uncertain significance (2). Last evaluated 2022-07-12.

Conditions:
Lethal Kniest-like syndrome (DDSH). Also called: Dyssegmental Dysplasia. Identifiers: Orphanet 1865, MedGen C1857100, MONDO:0009140, OMIM 224410.
Schwartz-Jampel syndrome type 1 (SJS1). Also called: MYOTONIC MYOPATHY, DWARFISM, CHONDRODYSTROPHY, AND OCULAR AND FACIAL ABNORMALITIES; CHONDRODYSTROPHIC MYOTONIA. Identifiers: MedGen C4551479, MONDO:0100435, OMIM 255800.

Allele frequency attached by ClinVar (database versions not stated): gnomAD 0.00003; ExAC 0.00004; gnomAD exomes 0.00004; TOPMed 0.00004.
gnomAD v4.1: 40 of 1,611,872 alleles (0.0025%); highest among the groups gnomAD compares: Admixed American, 0.012%; no homozygotes.

Submissions (2):

Labcorp Genetics (formerly Invitae), Labcorp
Classification: Uncertain significance. Last evaluated: 2022-07-12. Review status: criteria provided, single submitter. Criteria: Invitae Variant Classification Sherloc (09022015). Collection method: clinical testing. Allele origin: germline.
Comment: This sequence change falls in intron 47 of the HSPG2 gene. It does not directly change the encoded amino acid sequence of the HSPG2 protein. This variant is present in population databases (rs764410384, gnomAD 0.01%). This variant has not been reported in the literature in individuals affected with HSPG2-related conditions. ClinVar contains an entry for this variant (Variation ID: 1018185). Algorithms developed to predict the effect of sequence changes on RNA splicing suggest that this variant may create or strengthen a splice site. In summary, the available evidence is currently insufficient to determine the role of this variant in disease. Therefore, it has been classified as a Variant of Uncertain Significance.

Fulgent Genetics
Classification: Uncertain significance for Lethal Kniest-like syndrome; Schwartz-Jampel syndrome type 1. Last evaluated: 2022-02-10. Review status: criteria provided, single submitter. Criteria: ACMG Guidelines, 2015. Collection method: clinical testing. Allele origin: unknown.